The following is an entry in ClinVar:

ClinVar aggregate classification (germline): Likely benign (0 of 4 stars; one submission).

Conditions:
RIPK4-related disorder. Also called: RIPK4-related condition.

gnomAD v4.1: 8 of 1,611,532 alleles (0.0005%); highest among the groups gnomAD compares: Non-Finnish European, 0.00059%; no homozygotes.

Submission:

PreventionGenetics, part of Exact Sciences
Classification: Likely benign for RIPK4-related condition. Last evaluated: 2023-09-25. Review status: no assertion criteria provided. Collection method: clinical testing. Allele origin: germline.
Comment: This variant is classified as likely benign based on ACMG/AMP sequence variant interpretation guidelines (Richards et al. 2015 PMID: 25741868, with internal and published modifications).

NM_020639.3(RIPK4):c.1833C>G (p.Ala611=)

Gene: RIPK4 (receptor interacting serine/threonine kinase 4; minus strand). Cytogenetic location: 21q22.3.
Variant type: single nucleotide variant.
Coding change: c.1833C>G on transcript NM_020639.3 (MANE Select); coding-DNA position 1833, C replaced by G.
Protein change: p.Ala611=; no amino-acid change (alanine 611 retained).
Molecular consequence: synonymous variant.
Genome position (GRCh38, 1-based): chr21:41,741,360, G>C on the plus strand (C>G on the coding strand, the complement: RIPK4 is on the minus strand). VCF-style: chr21-41741360-G-C. GRCh37 (hg19) VCF-style: chr21-43161520-G-C.
Identifiers: ClinVar variation 3030402 (VCV003030402.2), dbSNP rs146788763, ClinGen allele CA512662975.